The following is an entry in ClinVar:

NM_006231.4(POLE):c.3472G>C (p.Val1158Leu)

Gene: POLE (DNA polymerase epsilon, catalytic subunit; minus strand). Cytogenetic location: 12q24.33.
Variant type: single nucleotide variant.
Coding change: c.3472G>C on transcript NM_006231.4 (MANE Select); coding-DNA position 3472, G replaced by C.
Protein change: p.Val1158Leu; replaces valine 1158 with leucine.
Molecular consequence: missense variant.
Genome position (GRCh38, 1-based): chr12:132,657,246, C>G on the plus strand (G>C on the coding strand, the complement: POLE is on the minus strand). VCF-style: chr12-132657246-C-G. GRCh37 (hg19) VCF-style: chr12-133233832-C-G.
Other names: c.3472G>C (NM_006231.2); short protein forms V1158L.
Identifiers: ClinVar variation 1444622 (VCV001444622.9), dbSNP rs2138657607, ClinGen allele CA387388787.

ClinVar aggregate classification (germline): Uncertain significance. Review status: criteria provided, multiple submitters, no conflicts (2 of 4 stars). 2 submissions from 2 submitters: Uncertain significance (2). Last evaluated 2024-06-01.

Conditions:
Hereditary cancer-predisposing syndrome. Also called: Tumor predisposition; Hereditary Cancer Syndrome; Hereditary neoplastic syndrome; Neoplastic Syndromes, Hereditary. Identifiers: Orphanet 140162, MedGen C0027672, MeSH D009386, MONDO:0015356.

Allele frequency attached by ClinVar (database versions not stated): gnomAD exomes below 0.00001.

Submissions (2):

Ambry Genetics
Classification: Uncertain significance for Hereditary cancer-predisposing syndrome. Last evaluated: 2024-06-01. Review status: criteria provided, single submitter. Criteria: Ambry Variant Classification Scheme 2023. Collection method: clinical testing. Allele origin: germline.
Comment: The p.V1158L variant (also known as c.3472G>C), located in coding exon 29 of the POLE gene, results from a G to C substitution at nucleotide position 3472. The valine at codon 1158 is replaced by leucine, an amino acid with highly similar properties. This amino acid position is conserved. In addition, the in silico prediction for this alteration is inconclusive. Based on the available evidence, the clinical significance of this variant remains unclear.

Labcorp Genetics (formerly Invitae), Labcorp
Classification: Uncertain significance. Last evaluated: 2023-05-24. Review status: criteria provided, single submitter. Criteria: Invitae Variant Classification Sherloc (09022015). Collection method: clinical testing. Allele origin: germline.
Comment: In summary, the available evidence is currently insufficient to determine the role of this variant in disease. Therefore, it has been classified as a Variant of Uncertain Significance. Advanced modeling of protein sequence and biophysical properties (such as structural, functional, and spatial information, amino acid conservation, physicochemical variation, residue mobility, and thermodynamic stability) has been performed at Invitae for this missense variant, however the output from this modeling did not meet the statistical confidence thresholds required to predict the impact of this variant on POLE protein function. ClinVar contains an entry for this variant (Variation ID: 1444622). This variant has not been reported in the literature in individuals affected with POLE-related conditions. This variant is not present in population databases (gnomAD no frequency). This sequence change replaces valine, which is neutral and non-polar, with leucine, which is neutral and non-polar, at codon 1158 of the POLE protein (p.Val1158Leu).